The following is an entry in ClinVar:

ClinVar aggregate classification (germline): Likely pathogenic (1 of 4 stars; one submission).

Conditions:
Ehlers-Danlos syndrome, type 4 (EDSVASC). Also called: Ehlers-Danlos syndrome vascular type; Ehlers Danlos syndrome, ecchymotic type; Ehlers Danlos syndrome, arterial type; Ehlers Danlos syndrome, Sack-Barabas type; Ehlers-Danlos Syndrome Type IV. Identifiers: Orphanet 286, MedGen C0268338, MONDO:0017314, OMIM 130050.

Submission:

Labcorp Genetics (formerly Invitae), Labcorp
Classification: Likely pathogenic for Ehlers-Danlos syndrome, type 4. Last evaluated: 2024-04-16. Review status: criteria provided, single submitter. Criteria: Invitae Variant Classification Sherloc (09022015). Collection method: clinical testing. Allele origin: germline.
Comment: This sequence change replaces glycine, which is neutral and non-polar, with aspartic acid, which is acidic and polar, at codon 438 of the COL3A1 protein (p.Gly438Asp). This variant is not present in population databases (gnomAD no frequency). This missense change has been observed in individual(s) with clinical features of Ehlers-Danlos syndrome (Invitae). ClinVar contains an entry for this variant (Variation ID: 1523318). Advanced modeling of protein sequence and biophysical properties (such as structural, functional, and spatial information, amino acid conservation, physicochemical variation, residue mobility, and thermodynamic stability) performed at Invitae indicates that this missense variant is expected to disrupt COL3A1 protein function with a positive predictive value of 95%. This variant disrupts the triple helix domain of COL3A1. Glycine residues within the Gly-Xaa-Yaa repeats of the triple helix domain are required for the structure and stability of fibrillar collagens (PMID: 7695699, 8218237, 19344236). In COL3A1, variants that affect these glycine residues are significantly enriched in individuals with disease (PMID: 24922459, 25758994) compared to the general population (ExAC). In summary, the currently available evidence indicates that the variant is pathogenic, but additional data are needed to prove that conclusively. Therefore, this variant has been classified as Likely Pathogenic.

Literature cited by the submitters: PubMed 7695699; PubMed 8218237; PubMed 19344236; PubMed 24922459; PubMed 25758994.

NM_000090.4(COL3A1):c.1313G>A (p.Gly438Asp)

Gene: COL3A1 (collagen type III alpha 1 chain; plus strand). Cytogenetic location: 2q32.2.
Variant type: single nucleotide variant.
Coding change: c.1313G>A on transcript NM_000090.4 (MANE Select); coding-DNA position 1313, G replaced by A.
Protein change: p.Gly438Asp; replaces glycine 438 with aspartic acid.
Molecular consequence: missense variant.
Genome position (GRCh38, 1-based): chr2:188,994,560, G>A. VCF-style: chr2-188994560-G-A. GRCh37 (hg19) VCF-style: chr2-189859286-G-A.
Other names: short protein forms G438D.
Identifiers: ClinVar variation 1523318 (VCV001523318.6), dbSNP rs2153502405, ClinGen allele CA349851652.